The following is an entry in ClinVar:

ClinVar aggregate classification (germline): Uncertain significance. Review status: criteria provided, multiple submitters, no conflicts (2 of 4 stars). 3 submissions from 3 submitters: Uncertain significance (3). Last evaluated 2025-09-10.

Conditions:
Autosomal dominant nonsyndromic hearing loss 1. Also called: KONIGSMARK SYNDROME; DEAFNESS, AUTOSOMAL DOMINANT 1, WITH OR WITHOUT THROMBOCYTOPENIA. Identifiers: Orphanet 90635, MedGen C1852282, MONDO:0007424, OMIM 124900.
Progressive microcephaly-seizures-cortical blindness-developmental delay syndrome. Also called: Seizures, cortical blindness, and microcephaly syndrome. Identifiers: Orphanet 477814, MedGen C5567650, MONDO:0014714, OMIM 616632.

Allele frequency attached by ClinVar (database versions not stated): TOPMed 0.00002.
gnomAD v4.1: 7 of 1,614,096 alleles (0.00043%); highest among the groups gnomAD compares: Non-Finnish European, 0.00059%; no homozygotes.

Submissions (3):

Labcorp Genetics (formerly Invitae), Labcorp
Classification: Uncertain significance for Progressive microcephaly-seizures-cortical blindness-developmental delay syndrome; Autosomal dominant nonsyndromic hearing loss 1. Last evaluated: 2025-09-10. Review status: criteria provided, single submitter. Criteria: Invitae Variant Classification Sherloc (09022015). Collection method: clinical testing. Allele origin: germline.
Comment: This sequence change replaces serine, which is neutral and polar, with tryptophan, which is neutral and slightly polar, at codon 1235 of the DIAPH1 protein (p.Ser1235Trp). This variant is present in population databases (no rsID available, gnomAD 0.0009%). This variant has not been reported in the literature in individuals affected with DIAPH1-related conditions. ClinVar contains an entry for this variant (Variation ID: 228573). An algorithm developed to predict the effect of missense changes on protein structure and function (PolyPhen-2) suggests that this variant is likely to be disruptive. In summary, the available evidence is currently insufficient to determine the role of this variant in disease. Therefore, it has been classified as a Variant of Uncertain Significance.

GeneDx
Classification: Uncertain significance. Last evaluated: 2025-07-16. Review status: criteria provided, single submitter. Criteria: GeneDx Variant Classification Process June 2021. Collection method: clinical testing. Allele origin: germline. Affected: yes.
Comment: Not observed at significant frequency in large population cohorts (gnomAD); In silico analysis suggests that this missense variant does not alter protein structure/function; Has not been previously published as pathogenic or benign to our knowledge

Laboratory for Molecular Medicine, Mass General Brigham Personalized Medicine
Classification: Uncertain significance. Last evaluated: 2016-01-14. Review status: criteria provided, single submitter. Criteria: LMM Criteria. Collection method: clinical testing. Allele origin: germline. Observed: 1 variant allele.
Comment: The p.Ser1235Trp variant in DIAPH1 has not been previously reported in individua ls with hearing loss or in large population studies. Computational prediction to ols and conservation analysis do not provide strong support for or against an im pact to the protein. In summary, the clinical significance of the p.Ser1235Trp v ariant is uncertain.

NM_005219.5(DIAPH1):c.3704C>G (p.Ser1235Trp)

Gene: DIAPH1 (diaphanous related formin 1; minus strand). Cytogenetic location: 5q31.3.
Variant type: single nucleotide variant.
Coding change: c.3704C>G on transcript NM_005219.5 (MANE Select); coding-DNA position 3704, C replaced by G.
Protein change: p.Ser1235Trp; replaces serine 1235 with tryptophan.
Molecular consequence: missense variant. On other transcripts: 3 prime UTR variant (1).
Genome position (GRCh38, 1-based): chr5:141,516,966, G>C on the plus strand (C>G on the coding strand, the complement: DIAPH1 is on the minus strand). VCF-style: chr5-141516966-G-C. GRCh37 (hg19) VCF-style: chr5-140896533-G-C.
Other names: c.3677C>G, p.Ser1226Trp (NM_001079812.3); c.*4C>G (NM_001314007.2); short protein forms S1235W, S1226W.
Identifiers: ClinVar variation 228573 (VCV000228573.11), dbSNP rs761387295, ClinGen allele CA10576651.